The following is an entry in ClinVar:

ClinVar aggregate classification (germline): Uncertain significance (1 of 4 stars; one submission).

Conditions:
Inborn genetic diseases. Identifiers: MedGen C0950123, MeSH D030342.

gnomAD v4.1: 3 of 1,614,126 alleles (0.00019%); highest among the groups gnomAD compares: Admixed American, 0.0033%; no homozygotes.

Submission:

Ambry Genetics
Classification: Uncertain significance for Inborn genetic diseases. Last evaluated: 2022-09-25. Review status: criteria provided, single submitter. Criteria: Ambry Variant Classification Scheme 2023. Collection method: clinical testing. Allele origin: germline.
Comment: The p.D656N variant (also known as c.1966G>A), located in coding exon 12 of the EPAS1 gene, results from a G to A substitution at nucleotide position 1966. The aspartic acid at codon 656 is replaced by asparagine, an amino acid with highly similar properties. This amino acid position is conserved. In addition, this alteration is predicted to be tolerated by in silico analysis. Since supporting evidence is limited at this time, the clinical significance of this alteration remains unclear.

NM_001430.5(EPAS1):c.1966G>A (p.Asp656Asn)

Gene: EPAS1 (endothelial PAS domain protein 1; plus strand). Cytogenetic location: 2p21.
Variant type: single nucleotide variant.
Coding change: c.1966G>A on transcript NM_001430.5 (MANE Select); coding-DNA position 1966, G replaced by A.
Protein change: p.Asp656Asn; replaces aspartic acid 656 with asparagine.
Molecular consequence: missense variant.
Genome position (GRCh38, 1-based): chr2:46,380,638, G>A. VCF-style: chr2-46380638-G-A. GRCh37 (hg19) VCF-style: chr2-46607777-G-A.
Other names: short protein forms D656N.
Identifiers: ClinVar variation 1783531 (VCV001783531.2), dbSNP rs1177530014, ClinGen allele CA346705248.